The following is an entry in ClinVar:

NM_020806.5(GPHN):c.1796A>T (p.Asp599Val)

Gene: GPHN (gephyrin; plus strand). Cytogenetic location: 14q23.3.
Variant type: single nucleotide variant.
Coding change: c.1796A>T on transcript NM_020806.5 (MANE Select); coding-DNA position 1796, A replaced by T.
Protein change: p.Asp599Val; replaces aspartic acid 599 with valine.
Molecular consequence: missense variant.
Genome position (GRCh38, 1-based): chr14:67,143,409, A>T. VCF-style: chr14-67143409-A-T. GRCh37 (hg19) VCF-style: chr14-67610126-A-T.
Other names: c.1697A>T, p.Asp566Val (NM_001024218.2); c.1856A>T, p.Asp619Val (NM_001377514.1); c.1826A>T, p.Asp609Val (NM_001377515.1); c.1817A>T, p.Asp606Val (NM_001377516.1); c.1769A>T, p.Asp590Val (NM_001377517.1); c.1754A>T, p.Asp585Val (NM_001377518.1); c.1736A>T, p.Asp579Val (NM_001377519.1); short protein forms D579V, D609V, D619V, D566V, D606V, D585V, D590V, D599V.
Identifiers: ClinVar variation 2110586 (VCV002110586.4), dbSNP rs2543888155, ClinGen allele CA390259595.

ClinVar aggregate classification (germline): Uncertain significance (1 of 4 stars; one submission).

Conditions:
Sulfite oxidase deficiency due to molybdenum cofactor deficiency type C. Also called: Molybdenum cofactor deficiency C; Molybdenum cofactor deficiency, complementation group C. Identifiers: Orphanet 308400, Orphanet 833, MedGen C1854990, MONDO:0014212, OMIM 615501.

Submission:

Labcorp Genetics (formerly Invitae), Labcorp
Classification: Uncertain significance for Sulfite oxidase deficiency due to molybdenum cofactor deficiency type C. Last evaluated: 2025-12-26. Review status: criteria provided, single submitter. Criteria: Invitae Variant Classification Sherloc (09022015). Collection method: clinical testing. Allele origin: germline.
Comment: This sequence change replaces aspartic acid, which is acidic and polar, with valine, which is neutral and non-polar, at codon 599 of the GPHN protein (p.Asp599Val). This variant is not present in population databases (gnomAD no frequency). This variant has not been reported in the literature in individuals affected with GPHN-related conditions. ClinVar contains an entry for this variant (Variation ID: 2110586). Invitae Evidence Modeling of protein sequence and biophysical properties (such as structural, functional, and spatial information, amino acid conservation, physicochemical variation, residue mobility, and thermodynamic stability) indicates that this missense variant is expected to disrupt GPHN protein function with a positive predictive value of 80%. In summary, the available evidence is currently insufficient to determine the role of this variant in disease. Therefore, it has been classified as a Variant of Uncertain Significance.